The following is an entry in ClinVar:

ClinVar aggregate classification (germline): Uncertain significance. Review status: criteria provided, multiple submitters, no conflicts (2 of 4 stars). 3 submissions from 3 submitters: Uncertain significance (2). 1 of the submissions does not count toward it. Last evaluated 2025-03-17.

Conditions:
Usher syndrome type 2A. Also called: RETINAL DISEASE IN USHER SYNDROME TYPE IIA, MODIFIER OF; USHER SYNDROME, TYPE IIA. Identifiers: Orphanet 231178, Orphanet 886, MedGen C1848634, MONDO:0010169, OMIM 276901.

Allele frequency attached by ClinVar (database versions not stated): ExAC 0.00003; gnomAD exomes 0.00003.
gnomAD v4.1: 36 of 1,613,094 alleles (0.0022%); highest among the groups gnomAD compares: South Asian, 0.04%; no homozygotes.

Submissions (3):

Labcorp Genetics (formerly Invitae), Labcorp
Classification: Uncertain significance. Last evaluated: 2025-03-17. Review status: criteria provided, single submitter. Criteria: Invitae Variant Classification Sherloc (09022015). Collection method: clinical testing. Allele origin: germline.
Comment: This sequence change replaces isoleucine, which is neutral and non-polar, with phenylalanine, which is neutral and non-polar, at codon 1366 of the USH2A protein (p.Ile1366Phe). This variant is present in population databases (rs779530910, gnomAD 0.02%). This variant has not been reported in the literature in individuals affected with USH2A-related conditions. ClinVar contains an entry for this variant (Variation ID: 1014579). Invitae Evidence Modeling of protein sequence and biophysical properties (such as structural, functional, and spatial information, amino acid conservation, physicochemical variation, residue mobility, and thermodynamic stability) indicates that this missense variant is not expected to disrupt USH2A protein function with a negative predictive value of 95%. Algorithms developed to predict the effect of sequence changes on RNA splicing suggest that this variant may disrupt the consensus splice site. In summary, the available evidence is currently insufficient to determine the role of this variant in disease. Therefore, it has been classified as a Variant of Uncertain Significance.

Blueprint Genetics
Classification: Uncertain significance. Last evaluated: 2023-03-24. Review status: criteria provided, single submitter. Criteria: ACMG Guidelines, 2015. Collection method: clinical testing. Allele origin: germline.

Natera, Inc.
Classification: Uncertain significance for Usher syndrome type 2A. Last evaluated: 2020-03-10. Review status: no assertion criteria provided. Collection method: clinical testing. Allele origin: germline. Not counted in ClinVar's aggregate classification.

NM_206933.4(USH2A):c.4096A>T (p.Ile1366Phe)

Genes: USH2A (usherin; minus strand), USH2A-AS1 (USH2A antisense RNA 1; plus strand). Cytogenetic location: 1q41.
Variant type: single nucleotide variant.
Coding change: c.4096A>T on transcript NM_206933.4 (MANE Select); coding-DNA position 4096, A replaced by T.
Protein change: p.Ile1366Phe; replaces isoleucine 1366 with phenylalanine.
Molecular consequence: missense variant.
Genome position (GRCh38, 1-based): chr1:216,196,708, T>A on the plus strand (A>T on the coding strand, the complement: USH2A is on the minus strand). VCF-style: chr1-216196708-T-A. GRCh37 (hg19) VCF-style: chr1-216370050-T-A.
Other names: c.4096A>T, p.Ile1366Phe (NM_007123.6); short protein forms I1366F.
Identifiers: ClinVar variation 1014579 (VCV001014579.5), dbSNP rs779530910, ClinGen allele CA1395806.